The following is an entry in ClinVar:

ClinVar aggregate classification (germline): Conflicting classifications of pathogenicity. Review status: criteria provided, conflicting classifications (1 of 4 stars). 2 submissions from 2 submitters: Likely pathogenic (1); Uncertain significance (1). Last evaluated 2024-03-27.

Conditions:
SLC35A2-related disorder. Also called: SLC35A2-related condition.
SLC35A2-congenital disorder of glycosylation. Also called: SLC35A2-CDG; EPILEPTIC ENCEPHALOPATHY, EARLY INFANTILE, 22; DEVELOPMENTAL AND EPILEPTIC ENCEPHALOPATHY 22; CONGENITAL DISORDER OF GLYCOSYLATION, TYPE IIm; CDG IIm; CONGENITAL DISORDER OF GLYCOSYLATION, TYPE IIm, SOMATIC MOSAIC. Identifiers: Orphanet 356961, MedGen C3806688, MONDO:0010478, OMIM 300896.

Submissions (2):

Blueprint Genetics
Classification: Likely pathogenic for SLC35A2-related disorders. Last evaluated: 2024-03-27. Review status: criteria provided, single submitter. Criteria: ACMG Guidelines, 2015. Collection method: clinical testing. Allele origin: germline. Affected: yes. Observed: 1 variant allele.

Labcorp Genetics (formerly Invitae), Labcorp
Classification: Uncertain significance for SLC35A2-congenital disorder of glycosylation. Last evaluated: 2024-02-23. Review status: criteria provided, single submitter. Criteria: Invitae Variant Classification Sherloc (09022015). Collection method: clinical testing. Allele origin: germline.
Comment: This sequence change replaces glycine, which is neutral and non-polar, with valine, which is neutral and non-polar, at codon 281 of the SLC35A2 protein (p.Gly281Val). This variant is not present in population databases (gnomAD no frequency). This variant has not been reported in the literature in individuals affected with SLC35A2-related conditions. ClinVar contains an entry for this variant (Variation ID: 2048658). Advanced modeling of protein sequence and biophysical properties (such as structural, functional, and spatial information, amino acid conservation, physicochemical variation, residue mobility, and thermodynamic stability) has been performed at Invitae for this missense variant, however the output from this modeling did not meet the statistical confidence thresholds required to predict the impact of this variant on SLC35A2 protein function. This variant disrupts the p.Gly281 amino acid residue in SLC35A2. Other variant(s) that disrupt this residue have been observed in individuals with SLC35A2-related conditions (PMID: 30746764), which suggests that this may be a clinically significant amino acid residue. In summary, the available evidence is currently insufficient to determine the role of this variant in disease. Therefore, it has been classified as a Variant of Uncertain Significance.

Literature cited by the submitters: PubMed 30746764 (cited by Labcorp Genetics (formerly Invitae), Labcorp).

NM_005660.3(SLC35A2):c.842G>T (p.Gly281Val)

Gene: SLC35A2 (solute carrier family 35 member A2; minus strand). Cytogenetic location: Xp11.23.
Variant type: single nucleotide variant.
Coding change: c.842G>T on transcript NM_005660.3 (MANE Select); coding-DNA position 842, G replaced by T.
Protein change: p.Gly281Val; replaces glycine 281 with valine.
Molecular consequence: missense variant. On other transcripts: intron variant (3).
Genome position (GRCh38, 1-based): chrX:48,905,067, C>A on the plus strand (G>T on the coding strand, the complement: SLC35A2 is on the minus strand). VCF-style: chrX-48905067-C-A. GRCh37 (hg19) VCF-style: chrX-48762344-C-A.
Other names: c.842G>T, p.Gly281Val (NM_001042498.3); c.659G>T, p.Gly220Val (NM_001282649.2); c.881G>T, p.Gly294Val (NM_001282650.2); c.926G>T, p.Gly309Val (NM_001282651.2); c.427-175G>T (NM_001282647.2, NM_001032289.3); c.355-175G>T (NM_001282648.2); short protein forms G220V, G281V, G294V, G309V.
Identifiers: ClinVar variation 2048658 (VCV002048658.5), dbSNP rs2519645090, ClinGen allele CA412895096.